The following is an entry in ClinVar:

ClinVar aggregate classification (germline): Conflicting classifications of pathogenicity. Review status: criteria provided, conflicting classifications (1 of 4 stars). 4 submissions from 4 submitters: Uncertain significance (1); Benign (1); Likely benign (1). 1 of the submissions does not count toward it. Last evaluated 2025-12-06.

Conditions:
IFT140-related disorder. Also called: IFT140-related condition.
Saldino-Mainzer syndrome (SRTD9). Also called: short-rib thoracic dysplasia 9 with or without polydactyly; CONORENAL SYNDROME; Renal dysplasia, retinal pigmentary dystrophy, cerebellar ataxia and skeletal dysplasia; SHORT-RIB THORACIC DYSPLASIA 9 WITHOUT POLYDACTYLY. Identifiers: Orphanet 140969, MedGen C1849437, MONDO:0009964, OMIM 266920.

Allele frequency attached by ClinVar (database versions not stated): gnomAD exomes 0.00011 and 0.00012; ExAC 0.00015; ESP Exome Variant Server 0.00015; gnomAD 0.00037 and 0.00038; TOPMed 0.00038; 1000 Genomes Project 30x 0.00094; 1000 Genomes Project 0.00120.
gnomAD v4.1: 236 of 1,614,072 alleles (0.015%); highest among the groups gnomAD compares: African/African-American, 0.12%; 2 homozygotes.

Submissions (4):

Labcorp Genetics (formerly Invitae), Labcorp
Classification: Benign for Saldino-Mainzer syndrome. Last evaluated: 2025-12-06. Review status: criteria provided, single submitter. Criteria: Invitae Variant Classification Sherloc (09022015). Collection method: clinical testing. Allele origin: germline.

Blueprint Genetics
Classification: Likely benign. Last evaluated: 2024-10-09. Review status: criteria provided, single submitter. Criteria: ACMG Guidelines, 2015. Collection method: clinical testing. Allele origin: germline.

Illumina Laboratory Services, Illumina
Classification: Uncertain significance for Saldino-Mainzer syndrome. Last evaluated: 2018-01-13. Review status: criteria provided, single submitter. Criteria: ICSL Variant Classification Criteria 13 December 2019. Collection method: clinical testing. Allele origin: germline.

PreventionGenetics, part of Exact Sciences
Classification: Likely benign for IFT140-related condition. Last evaluated: 2024-09-17. Review status: no assertion criteria provided. Collection method: clinical testing. Allele origin: germline. Not counted in ClinVar's aggregate classification.
Comment: This variant is classified as likely benign based on ACMG/AMP sequence variant interpretation guidelines (Richards et al. 2015 PMID: 25741868, with internal and published modifications).

NM_014714.4(IFT140):c.3861C>T (p.Asp1287=)

Gene: IFT140 (intraflagellar transport 140; minus strand). Cytogenetic location: 16p13.3.
Variant type: single nucleotide variant.
Coding change: c.3861C>T on transcript NM_014714.4 (MANE Select); coding-DNA position 3861, C replaced by T.
Protein change: p.Asp1287=; no amino-acid change (aspartic acid 1287 retained).
Molecular consequence: synonymous variant.
Genome position (GRCh38, 1-based): chr16:1,520,143, G>A on the plus strand (C>T on the coding strand, the complement: IFT140 is on the minus strand). VCF-style: chr16-1520143-G-A. GRCh37 (hg19) VCF-style: chr16-1570144-G-A.
Identifiers: ClinVar variation 317995 (VCV000317995.16), dbSNP rs143899594, ClinGen allele CA7813019.